The following is an entry in ClinVar:

NM_000059.4(BRCA2):c.5956G>A (p.Val1986Ile)

Gene: BRCA2 (BRCA2 DNA repair associated; plus strand). Cytogenetic location: 13q13.1.
Variant type: single nucleotide variant.
Coding change: c.5956G>A on transcript NM_000059.4 (MANE Select); coding-DNA position 5956, G replaced by A.
Protein change: p.Val1986Ile; replaces valine 1986 with isoleucine.
Molecular consequence: missense variant.
Genome position (GRCh38, 1-based): chr13:32,340,311, G>A. VCF-style: chr13-32340311-G-A. GRCh37 (hg19) VCF-style: chr13-32914448-G-A.
Other names: c.5956G>A, p.Val1986Ile (NM_001406719.1, NM_001406720.1); short protein forms V1986I.
Identifiers: ClinVar variation 2049667 (VCV002049667.6), dbSNP rs2137522671, ClinGen allele CA387787599.

ClinVar aggregate classification (germline): Conflicting classifications of pathogenicity. Review status: criteria provided, conflicting classifications (1 of 4 stars). 2 submissions from 2 submitters: Uncertain significance (1); Likely benign (1). Last evaluated 2023-03-23.

Conditions:
Hereditary cancer-predisposing syndrome. Also called: Hereditary neoplastic syndrome; Neoplastic Syndromes, Hereditary; Tumor predisposition; Hereditary Cancer Syndrome. Identifiers: Orphanet 140162, MedGen C0027672, MeSH D009386, MONDO:0015356.
Hereditary breast ovarian cancer syndrome. Also called: Hereditary breast and ovarian cancer syndrome; Hereditary breast and ovarian cancer syndrome (HBOC); Breast and ovarian cancer; Hereditary breast and ovarian cancer; BRCA1- and BRCA2-Associated Hereditary Breast and Ovarian Cancer; Hereditary breast and/or ovarian cancer syndrome. Identifiers: Orphanet 145, MedGen C0677776, MeSH D061325, MONDO:0003582. Disease mechanism: loss of function.

Submissions (2):

University of Washington Department of Laboratory Medicine, University of Washington
Classification: Likely benign for Hereditary cancer-predisposing syndrome. Last evaluated: 2023-03-23. Review status: criteria provided, single submitter. Criteria: Dines et al. (Genet Med. 2020). Collection method: curation. Allele origin: germline.
Comment: Missense variant in a coldspot region where missense variants are very unlikely to be pathogenic (PMID:31911673).

BRCA2 exon 11 coldspot. Reclassification based on statistical prior probability.

Labcorp Genetics (formerly Invitae), Labcorp
Classification: Uncertain significance for Hereditary breast ovarian cancer syndrome. Last evaluated: 2021-12-20. Review status: criteria provided, single submitter. Criteria: Invitae Variant Classification Sherloc (09022015). Collection method: clinical testing. Allele origin: germline.
Comment: This sequence change replaces valine, which is neutral and non-polar, with isoleucine, which is neutral and non-polar, at codon 1986 of the BRCA2 protein (p.Val1986Ile). This variant is not present in population databases (gnomAD no frequency). This variant has not been reported in the literature in individuals affected with BRCA2-related conditions. Advanced modeling of protein sequence and biophysical properties (such as structural, functional, and spatial information, amino acid conservation, physicochemical variation, residue mobility, and thermodynamic stability) performed at Invitae indicates that this missense variant is not expected to disrupt BRCA2 protein function. In summary, the available evidence is currently insufficient to determine the role of this variant in disease. Therefore, it has been classified as a Variant of Uncertain Significance.